The following is an entry in ClinVar:

ClinVar aggregate classification (germline): Uncertain significance (1 of 4 stars; one submission).

Conditions:
Autosomal recessive hypohidrotic ectodermal dysplasia syndrome. Also called: Autosomal recessive hypohidrotic ectodermal dysplasia. Identifiers: Orphanet 248, MedGen C0406702, MONDO:0016619.
Ectodermal dysplasia 10A, hypohidrotic/hair/nail type, autosomal dominant (ECTD10A). Also called: Ectodermal Dysplasia 3, Anhidrotic. Identifiers: Orphanet 1810, Orphanet 238468, MedGen C3888065, MONDO:0007509, OMIM 129490.

Allele frequency attached by ClinVar (database versions not stated): TOPMed below 0.00001; gnomAD 0.00001.
gnomAD v4.1: 1 of 1,614,080 alleles (0.000062%); highest among the groups gnomAD compares: Non-Finnish European, 0.000085%; no homozygotes.

Submission:

Labcorp Genetics (formerly Invitae), Labcorp
Classification: Uncertain significance for Ectodermal dysplasia 10A, hypohidrotic/hair/nail type, autosomal dominant; Autosomal recessive hypohidrotic ectodermal dysplasia syndrome. Last evaluated: 2021-12-05. Review status: criteria provided, single submitter. Criteria: Invitae Variant Classification Sherloc (09022015). Collection method: clinical testing. Allele origin: germline.
Comment: This sequence change replaces isoleucine, which is neutral and non-polar, with threonine, which is neutral and polar, at codon 190 of the EDAR protein (p.Ile190Thr). This variant is not present in population databases (gnomAD no frequency). This missense change has been observed in individual(s) with clinical features of autosomal recessive ectodermal dysplasia (Invitae). Advanced modeling of protein sequence and biophysical properties (such as structural, functional, and spatial information, amino acid conservation, physicochemical variation, residue mobility, and thermodynamic stability) performed at Invitae indicates that this missense variant is expected to disrupt EDAR protein function. In summary, the available evidence is currently insufficient to determine the role of this variant in disease. Therefore, it has been classified as a Variant of Uncertain Significance.

NM_022336.4(EDAR):c.569T>C (p.Ile190Thr)

Genes: EDAR (ectodysplasin A receptor; minus strand), RANBP2 (RAN binding protein 2; plus strand). Cytogenetic location: 2q13.
Variant type: single nucleotide variant.
Coding change: c.569T>C on transcript NM_022336.4 (MANE Select); coding-DNA position 569, T replaced by C.
Protein change: p.Ile190Thr; replaces isoleucine 190 with threonine.
Molecular consequence: missense variant.
Genome position (GRCh38, 1-based): chr2:108,911,033, A>G on the plus strand (T>C on the coding strand, the complement: EDAR is on the minus strand). VCF-style: chr2-108911033-A-G. GRCh37 (hg19) VCF-style: chr2-109527489-A-G.
Other names: short protein forms I190T.
Identifiers: ClinVar variation 1523548 (VCV001523548.3), dbSNP rs1696920814, ClinGen allele CA348053803.